The following is an entry in ClinVar:

NM_001191061.2(SLC25A22):c.409A>G (p.Ile137Val)

Gene: SLC25A22 (solute carrier family 25 member 22; minus strand). Cytogenetic location: 11p15.5.
Variant type: single nucleotide variant.
Coding change: c.409A>G on transcript NM_001191061.2 (MANE Select); coding-DNA position 409, A replaced by G.
Protein change: p.Ile137Val; replaces isoleucine 137 with valine.
Molecular consequence: missense variant.
Genome position (GRCh38, 1-based): chr11:792,873, T>C on the plus strand (A>G on the coding strand, the complement: SLC25A22 is on the minus strand). VCF-style: chr11-792873-T-C. GRCh37 (hg19) VCF-style: chr11-792873-T-C.
Other names: c.409A>G, p.Ile137Val (NM_001191060.2, NM_024698.6); short protein forms I137V.
Identifiers: ClinVar variation 839253 (VCV000839253.10), dbSNP rs1484690169, ClinGen allele CA378970489.

ClinVar aggregate classification (germline): Uncertain significance (1 of 4 stars; one submission).

Conditions:
Early-infantile DEE. Also called: Ohtahara syndrome; Early infantile epileptic encephalopathy with suppression bursts; Early infantile epileptic encephalopathy. Identifiers: Orphanet 1934, MedGen C0393706, MONDO:0800491.

Allele frequency attached by ClinVar (database versions not stated): gnomAD exomes below 0.00001.

Submission:

Labcorp Genetics (formerly Invitae), Labcorp
Classification: Uncertain significance for Early-infantile DEE. Last evaluated: 2020-01-08. Review status: criteria provided, single submitter. Criteria: Invitae Variant Classification Sherloc (09022015). Collection method: clinical testing. Allele origin: germline.
Comment: In summary, the available evidence is currently insufficient to determine the role of this variant in disease. Therefore, it has been classified as a Variant of Uncertain Significance. Algorithms developed to predict the effect of missense changes on protein structure and function (SIFT, PolyPhen-2, Align-GVGD) all suggest that this variant is likely to be tolerated, but these predictions have not been confirmed by published functional studies and their clinical significance is uncertain. This variant has not been reported in the literature in individuals with SLC25A22-related conditions. This variant is not present in population databases (ExAC no frequency). This sequence change replaces isoleucine with valine at codon 137 of the SLC25A22 protein (p.Ile137Val). The isoleucine residue is moderately conserved and there is a small physicochemical difference between isoleucine and valine.